The following is an entry in ClinVar:

NM_020843.4(SCAPER):c.3419C>T (p.Ala1140Val)

Gene: SCAPER (S-phase cyclin A associated protein in the ER; minus strand). Cytogenetic location: 15q24.3.
Variant type: single nucleotide variant.
Coding change: c.3419C>T on transcript NM_020843.4 (MANE Select); coding-DNA position 3419, C replaced by T.
Protein change: p.Ala1140Val; replaces alanine 1140 with valine.
Molecular consequence: missense variant. On other transcripts: non-coding transcript variant (1).
Genome position (GRCh38, 1-based): chr15:76,404,572, G>A on the plus strand (C>T on the coding strand, the complement: SCAPER is on the minus strand). VCF-style: chr15-76404572-G-A. GRCh37 (hg19) VCF-style: chr15-76696913-G-A.
Other names: c.2681C>T, p.Ala894Val (NM_001145923.2); c.3437C>T, p.Ala1146Val (NM_001353009.2); c.3017C>T, p.Ala1006Val (NM_001353010.2, NM_001353012.2); c.3035C>T, p.Ala1012Val (NM_001353011.2); c.3437C>T (NM_001353009.1); short protein forms A1140V, A894V, A1146V, A1006V, A1012V.
Identifiers: ClinVar variation 4925934 (VCV004925934.2).

ClinVar aggregate classification (germline): Uncertain significance. Review status: criteria provided, multiple submitters, no conflicts (2 of 4 stars). 2 submissions from 2 submitters: Uncertain significance (2). Last evaluated 2025-02-21.

Conditions:
SCAPER-related disorder. Also called: SCAPER-related condition.

gnomAD v4.1: 43 of 1,613,478 alleles (0.0027%); highest among the groups gnomAD compares: East Asian, 0.096%; no homozygotes.

Submissions (2):

PreventionGenetics, part of Exact Sciences
Classification: Uncertain significance for SCAPER-related condition. Last evaluated: 2025-02-21. Review status: criteria provided, single submitter. Criteria: ACMG Guidelines, 2015. Collection method: clinical testing. Allele origin: germline.
Comment: The SCAPER c.3437C>T variant is predicted to result in the amino acid substitution p.Ala1146Val. To our knowledge, this variant has not been reported in the literature or in a large population database (gnomAD), indicating this variant is rare. At this time, the clinical significance of this variant is uncertain due to the absence of conclusive functional and genetic evidence.

Blueprint Genetics
Classification: Uncertain significance. Last evaluated: 2022-01-20. Review status: criteria provided, single submitter. Criteria: ACMG Guidelines, 2015. Collection method: clinical testing. Allele origin: germline.